The following is an entry in ClinVar:

ClinVar aggregate classification (germline): Uncertain significance (1 of 4 stars; one submission).

Conditions:
Fanconi anemia (FA). Also called: Fanconi's anemia. Identifiers: Orphanet 84, MedGen C0015625, MeSH D005199, MONDO:0019391.

Allele frequency attached by ClinVar (database versions not stated): gnomAD exomes below 0.00001.
gnomAD v4.1: 3 of 1,612,082 alleles (0.00019%); highest among the groups gnomAD compares: Non-Finnish European, 0.00017%; no homozygotes.

Submission:

Labcorp Genetics (formerly Invitae), Labcorp
Classification: Uncertain significance for Fanconi anemia. Last evaluated: 2026-02-03. Review status: criteria provided, single submitter. Criteria: Invitae Variant Classification Sherloc (09022015). Collection method: clinical testing. Allele origin: germline.
Comment: This sequence change replaces tryptophan, which is neutral and slightly polar, with cysteine, which is neutral and slightly polar, at codon 736 of the FANCM protein (p.Trp736Cys). This variant is not present in population databases (gnomAD no frequency). This variant has not been reported in the literature in individuals affected with FANCM-related conditions. ClinVar contains an entry for this variant (Variation ID: 1353560). An algorithm developed to predict the effect of missense changes on protein structure and function (PolyPhen-2) suggests that this variant is likely to be disruptive. Algorithms developed to predict the effect of sequence changes on RNA splicing suggest that this variant may disrupt the consensus splice site. In summary, the available evidence is currently insufficient to determine the role of this variant in disease. Therefore, it has been classified as a Variant of Uncertain Significance.

NM_020937.4(FANCM):c.2208G>C (p.Trp736Cys)

Gene: FANCM (FA complementation group M; plus strand). Cytogenetic location: 14q21.2.
Variant type: single nucleotide variant.
Coding change: c.2208G>C on transcript NM_020937.4 (MANE Select); coding-DNA position 2208, G replaced by C.
Protein change: p.Trp736Cys; replaces tryptophan 736 with cysteine.
Molecular consequence: missense variant.
Genome position (GRCh38, 1-based): chr14:45,173,102, G>C. VCF-style: chr14-45173102-G-C. GRCh37 (hg19) VCF-style: chr14-45642305-G-C.
Other names: c.2130G>C, p.Trp710Cys (NM_001308133.2); short protein forms W710C, W736C.
Identifiers: ClinVar variation 1353560 (VCV001353560.6), dbSNP rs2139234709, ClinGen allele CA389596683.